The following continues an entry in ClinVar:

NM_002878.4(RAD51D):c.878C>T (p.Ala293Val)

ClinVar aggregate classification (germline): Conflicting classifications of pathogenicity. Uncertain significance (9); Likely benign (3).

Submissions 12 to 14 of 14:

Neuberg Centre For Genomic Medicine, NCGM
Classification: Uncertain significance for Breast-ovarian cancer, familial, susceptibility to, 4. Review status: criteria provided, single submitter. Criteria: ACMG Guidelines, 2015. Collection method: clinical testing. Allele origin: germline. Inheritance: Autosomal dominant inheritance. Affected: yes.
Comment: The missense c.878C>T p.Ala293Val variant in the RAD51D gene has not been reported previously reported in individuals with Hereditary Breast and Ovarian Cancer Syndrome. This variant is reported with the allele frequency 0.002% in the gnomAD Exomes and novel in 1000 Genomes. This variant has been reported to the ClinVar database as Likely Benign/ Uncertain Significance multiple submissions. The amino acid Alanine at position 293 is changed to a Valine changing protein sequence and it might alter its composition and physico-chemical properties. The amino acid change p.Ala293Val in RAD51D is predicted as conserved by PhyloP across 100 vertebrates. Further studies are required to prove the pathogenicity of the variant. For these reasons, this variant has been classified as Uncertain Significance.

PreventionGenetics, part of Exact Sciences
Classification: Likely benign for RAD51D-related condition. Last evaluated: 2020-01-21. Review status: no assertion criteria provided. Collection method: clinical testing. Allele origin: germline. Not counted in ClinVar's aggregate classification.
Comment: This variant is classified as likely benign based on ACMG/AMP sequence variant interpretation guidelines (Richards et al. 2015 PMID: 25741868, with internal and published modifications).

Department of Pathology and Laboratory Medicine, Sinai Health System
Classification: Uncertain significance. Review status: no assertion criteria provided. Collection method: clinical testing. Allele origin: unknown. Affected: yes. Study: The Canadian Open Genetics Repository (COGR). Not counted in ClinVar's aggregate classification.
Comment: The RAD51D p.Ala293Val variant was identified in the literature however the frequency of this variant in an affected population was not provided. The variant was also identified in the following databases: dbSNP (ID: rs769732230) as "With Uncertain significance allele", ClinVar (3x uncertain significance, 1x likely benign), and Clinvitae. The variant was not identified in the Cosmic database. The variant was identified in control databases in 8 of 277146 chromosomes at a frequency of 0.00003 (Genome Aggregation Database Feb 27, 2017). It was observed in the following populations: â€šÃ„ÃºOtherâ€šÃ„Ã¹ in 1 of 6466 chromosomes (freq: 0.0002), European in 3 of 126652 chromosomes (freq: 0.00002), East Asian in 2 of 18868 chromosomes (freq: 0.0001), and South Asian in 2 of 30782 chromosomes (freq: 0.00007). The variant was not observed in the African, Latino, Ashkenazi Jewish, or Finnish populations. The p.Ala293 residue is not conserved in mammals and four out of five computational analyses (PolyPhen-2, SIFT, AlignGVGD, BLOSUM, MutationTaster) do not suggest a high likelihood of impact to the protein; however, this information is not predictive enough to rule out pathogenicity. The variant occurs outside of the splicing consensus sequence and 4 of 5 in silico or computational prediction software programs (SpliceSiteFinder, MaxEntScan, NNSPLICE, GeneSplicer, HumanSpliceFinder) predict a greater than 10% difference in splicing. However, this information is not predictive enough to assume pathogenicity. In summary, based on the above information the clinical significance of this variant cannot be determined with certainty at this time. This variant is classified as a variant of uncertain significance.

Literature cited by the submitters: PubMed 26261251 (cited by 3 submitters); PubMed 32863928 (cited by 3 submitters); PubMed 33471991 (cited by 3 submitters); PubMed 34326862 (cited by 3 submitters); PubMed 36315097 (cited by Women's Health and Genetics/Laboratory Corporation of America, LabCorp); PubMed 32885271 (cited by Labcorp Genetics (formerly Invitae), Labcorp and Quest Diagnostics Nichols Institute San Juan Capistrano); PubMed 25085752 (cited by Myriad Genetics, Inc.).